The following is an entry in ClinVar:

NM_153460.4(IL17RC):c.956C>G (p.Pro319Arg)

Gene: IL17RC (interleukin 17 receptor C; plus strand). Cytogenetic location: 3p25.3.
Variant type: single nucleotide variant.
Coding change: c.956C>G on transcript NM_153460.4 (MANE Select); coding-DNA position 956, C replaced by G.
Protein change: p.Pro319Arg; replaces proline 319 with arginine.
Molecular consequence: missense variant. On other transcripts: non-coding transcript variant (1).
Genome position (GRCh38, 1-based): chr3:9,928,383, C>G. VCF-style: chr3-9928383-C-G. GRCh37 (hg19) VCF-style: chr3-9970067-C-G.
Other names: c.956C>G, p.Pro319Arg (NM_001203263.2, NM_001203264.2); c.911C>G, p.Pro304Arg (NM_001203265.2, NM_001367280.1, NM_001410711.1 and 1 more transcripts); c.917C>G, p.Pro306Arg (NM_001367278.1); c.836C>G, p.Pro279Arg (NM_001367279.1); c.1169C>G, p.Pro390Arg (NM_153461.4); short protein forms P319R, P279R, P306R, P304R, P390R.
Identifiers: ClinVar variation 2715545 (VCV002715545.3), dbSNP rs371497727, ClinGen allele CA2247079.

ClinVar aggregate classification (germline): Uncertain significance (1 of 4 stars; one submission).

Conditions:
Candidiasis, familial, 9 (CANDF9). Identifiers: Orphanet 1334, MedGen C4225324, MONDO:0014642, OMIM 616445.

Submission:

Labcorp Genetics (formerly Invitae), Labcorp
Classification: Uncertain significance for Candidiasis, familial, 9. Last evaluated: 2023-06-28. Review status: criteria provided, single submitter. Criteria: Invitae Variant Classification Sherloc (09022015). Collection method: clinical testing. Allele origin: germline.
Comment: This variant has not been reported in the literature in individuals affected with IL17RC-related conditions. In summary, the available evidence is currently insufficient to determine the role of this variant in disease. Therefore, it has been classified as a Variant of Uncertain Significance. Algorithms developed to predict the effect of missense changes on protein structure and function output the following: SIFT: "Not Available"; PolyPhen-2: "Benign"; Align-GVGD: "Not Available". The arginine amino acid residue is found in multiple mammalian species, which suggests that this missense change does not adversely affect protein function. This variant is present in population databases (rs371497727, gnomAD 0.007%). This sequence change replaces proline, which is neutral and non-polar, with arginine, which is basic and polar, at codon 390 of the IL17RC protein (p.Pro390Arg).